The following is an entry in ClinVar:

ClinVar aggregate classification (germline): Uncertain significance (1 of 4 stars; one submission).

Conditions:
PCNT-related disorder. Also called: PCNT-related condition.

gnomAD v4.1: 66 of 1,613,736 alleles (0.0041%); highest among the groups gnomAD compares: Non-Finnish European, 0.0049%; no homozygotes.

Submission:

PreventionGenetics, part of Exact Sciences
Classification: Uncertain significance for PCNT-related condition. Last evaluated: 2026-04-24. Review status: criteria provided, single submitter. Criteria: ACMG Guidelines, 2015. Collection method: clinical testing. Allele origin: germline.
Comment: The PCNT c.2057C>A variant is predicted to result in the amino acid substitution p.Thr686Asn. To our knowledge, this variant has not been reported in the literature. This variant is reported in 0.0054% of alleles in individuals of European (Non-Finnish) descent in gnomAD. At this time, the clinical significance of this variant is uncertain due to the absence of conclusive functional and genetic evidence.

NM_006031.6(PCNT):c.2057C>A (p.Thr686Asn)

Gene: PCNT (pericentrin; plus strand). Cytogenetic location: 21q22.3.
Variant type: single nucleotide variant.
Coding change: c.2057C>A on transcript NM_006031.6 (MANE Select); coding-DNA position 2057, C replaced by A.
Protein change: p.Thr686Asn; replaces threonine 686 with asparagine.
Molecular consequence: missense variant.
Genome position (GRCh38, 1-based): chr21:46,357,094, C>A. VCF-style: chr21-46357094-C-A. GRCh37 (hg19) VCF-style: chr21-47777009-C-A.
Other names: c.1703C>A, p.Thr568Asn (NM_001315529.2); short protein forms T686N, T568N.
Identifiers: ClinVar variation 4980424 (VCV004980424.1).